The following is an entry in ClinVar:

NM_001145252.3(CFP):c.391C>G (p.Gln131Glu)

Gene: CFP (complement factor properdin; minus strand). Cytogenetic location: Xp11.23.
Variant type: single nucleotide variant.
Coding change: c.391C>G on transcript NM_001145252.3 (MANE Select); coding-DNA position 391, C replaced by G.
Protein change: p.Gln131Glu; replaces glutamine 131 with glutamic acid.
Molecular consequence: missense variant.
Genome position (GRCh38, 1-based): chrX:47,628,114, G>C on the plus strand (C>G on the coding strand, the complement: CFP is on the minus strand). VCF-style: chrX-47628114-G-C. GRCh37 (hg19) VCF-style: chrX-47487513-G-C.
Other names: c.391C>G, p.Gln131Glu (NM_002621.2); short protein forms Q131E.
Identifiers: ClinVar variation 1608881 (VCV001608881.11), dbSNP rs371132642, ClinGen allele CA10398971.

ClinVar aggregate classification (germline): Benign/Likely benign. Review status: criteria provided, multiple submitters, no conflicts (2 of 4 stars). 3 submissions from 3 submitters: Benign (1); Likely benign (1). 1 of the submissions does not count toward it. Last evaluated 2026-01-20.

Conditions:
CFP-related disorder. Also called: CFP-related condition.

Allele frequency attached by ClinVar (database versions not stated): gnomAD 0.00001 and 0.00024; TOPMed 0.00004; ESP Exome Variant Server 0.00009; gnomAD exomes 0.00076 and 0.00165; ExAC 0.00199; 1000 Genomes Project 30x 0.00271; 1000 Genomes Project 0.00318.
gnomAD v4.1: 876 of 1,209,679 alleles (0.072%); highest among the groups gnomAD compares: South Asian, 1.4%; 5 homozygotes.

Submissions (3):

Labcorp Genetics (formerly Invitae), Labcorp
Classification: Benign. Last evaluated: 2026-01-20. Review status: criteria provided, single submitter. Criteria: Invitae Variant Classification Sherloc (09022015). Collection method: clinical testing. Allele origin: germline.

Blueprint Genetics
Classification: Likely benign. Last evaluated: 2024-10-28. Review status: criteria provided, single submitter. Criteria: ACMG Guidelines, 2015. Collection method: clinical testing. Allele origin: germline.

PreventionGenetics, part of Exact Sciences
Classification: Benign for CFP-related condition. Last evaluated: 2019-06-05. Review status: no assertion criteria provided. Collection method: clinical testing. Allele origin: germline. Not counted in ClinVar's aggregate classification.
Comment: This variant is classified as benign based on ACMG/AMP sequence variant interpretation guidelines (Richards et al. 2015 PMID: 25741868, with internal and published modifications).